The following is an entry in ClinVar:

ClinVar aggregate classification (germline): Likely benign. Review status: criteria provided, multiple submitters, no conflicts (2 of 4 stars). 3 submissions from 3 submitters: Likely benign (3). Last evaluated 2025-08-29.

Allele frequency attached by ClinVar (database versions not stated): ESP Exome Variant Server 0.00008; gnomAD 0.00010 and 0.00011; TOPMed 0.00010; gnomAD exomes 0.00014 and 0.00015; ExAC 0.00017.
gnomAD v4.1: 221 of 1,613,846 alleles (0.014%); highest among the groups gnomAD compares: Middle Eastern, 0.099%; 1 homozygote.

Submissions (3):

Labcorp Genetics (formerly Invitae), Labcorp
Classification: Likely benign. Last evaluated: 2025-08-29. Review status: criteria provided, single submitter. Criteria: Invitae Variant Classification Sherloc (09022015). Collection method: clinical testing. Allele origin: germline.

CeGaT Center for Human Genetics Tuebingen
Classification: Likely benign. Last evaluated: 2025-03-01. Review status: criteria provided, single submitter. Criteria: CeGaT Center For Human Genetics Tuebingen Variant Classification Criteria Version 2. Collection method: clinical testing. Allele origin: germline. Affected: yes. Observed: 1 variant allele.
Comment: CILK1: BP4, BP7

Blueprint Genetics
Classification: Likely benign. Last evaluated: 2024-11-25. Review status: criteria provided, single submitter. Criteria: ACMG Guidelines, 2015. Collection method: clinical testing. Allele origin: germline.

NM_014920.5(CILK1):c.51C>T (p.Ser17=)

Gene: CILK1 (ciliogenesis associated kinase 1; minus strand). Cytogenetic location: 6p12.1.
Variant type: single nucleotide variant.
Coding change: c.51C>T on transcript NM_014920.5 (MANE Select); coding-DNA position 51, C replaced by T.
Protein change: p.Ser17=; no amino-acid change (serine 17 retained).
Molecular consequence: synonymous variant. On other transcripts: non-coding transcript variant (1).
Genome position (GRCh38, 1-based): chr6:53,041,186, G>A on the plus strand (C>T on the coding strand, the complement: CILK1 is on the minus strand). VCF-style: chr6-53041186-G-A. GRCh37 (hg19) VCF-style: chr6-52905984-G-A.
Other names: c.51C>T, p.Ser17= (NM_001375401.1, NM_001375402.1, NM_016513.5 and 4 more transcripts).
Identifiers: ClinVar variation 1680573 (VCV001680573.16), dbSNP rs373305658, ClinGen allele CA3858906.